The following is an entry in ClinVar:

ClinVar aggregate classification (germline): Likely benign. Review status: criteria provided, multiple submitters, no conflicts (2 of 4 stars). 2 submissions from 2 submitters: Likely benign (2). Last evaluated 2024-07-01.

Conditions:
Gamma-aminobutyric acid transaminase deficiency (GABATD). Also called: GABA transaminase deficiency; Gamma aminobutyrate transaminase deficiency; 4 alpha aminobutyrate transaminase deficiency; GABA aminotransaminase deficiency. Identifiers: Orphanet 2066, MedGen C0342708, MONDO:0013166, OMIM 613163.

Allele frequency attached by ClinVar (database versions not stated): 1000 Genomes Project 30x 0.00016.
gnomAD v4.1: 174 of 1,614,166 alleles (0.011%); highest among the groups gnomAD compares: South Asian, 0.18%; 2 homozygotes.

Submissions (2):

CeGaT Center for Human Genetics Tuebingen
Classification: Likely benign. Last evaluated: 2024-07-01. Review status: criteria provided, single submitter. Criteria: CeGaT Center For Human Genetics Tuebingen Variant Classification Criteria Version 2. Collection method: clinical testing. Allele origin: germline. Affected: yes. Observed: 1 variant allele.
Comment: ABAT: BP4, BP7

Labcorp Genetics (formerly Invitae), Labcorp
Classification: Likely benign for Gamma-aminobutyric acid transaminase deficiency. Last evaluated: 2023-05-04. Review status: criteria provided, single submitter. Criteria: Invitae Variant Classification Sherloc (09022015). Collection method: clinical testing. Allele origin: germline.

NM_020686.6(ABAT):c.1233C>G (p.Ala411=)

Gene: ABAT (4-aminobutyrate aminotransferase; plus strand). Cytogenetic location: 16p13.2.
Variant type: single nucleotide variant.
Coding change: c.1233C>G on transcript NM_020686.6 (MANE Select); coding-DNA position 1233, C replaced by G.
Protein change: p.Ala411=; no amino-acid change (alanine 411 retained).
Molecular consequence: synonymous variant.
Genome position (GRCh38, 1-based): chr16:8,776,454, C>G. VCF-style: chr16-8776454-C-G. GRCh37 (hg19) VCF-style: chr16-8870311-C-G.
Other names: c.1233C>G, p.Ala411= (NM_000663.5, NM_001127448.2, NM_001386600.1 and 6 more transcripts); c.1194C>G, p.Ala398= (NM_001386605.1); c.1170C>G, p.Ala390= (NM_001386606.1, NM_001386607.1); c.1140C>G, p.Ala380= (NM_001386608.1); c.1098C>G, p.Ala366= (NM_001386610.1, NM_001386611.1); c.1035C>G, p.Ala345= (NM_001386612.1, NM_001386613.1); c.987C>G, p.Ala329= (NM_001386614.1); c.1329C>G, p.Ala443= (NM_001386615.1).
Identifiers: ClinVar variation 1603115 (VCV001603115.25), dbSNP rs147188899, ClinGen allele CA7893462.